The following is an entry in ClinVar:

NM_152268.4(PARS2):c.1402T>C (p.Leu468=)

Gene: PARS2 (prolyl-tRNA synthetase 2, mitochondrial; minus strand). Cytogenetic location: 1p32.3.
Variant type: single nucleotide variant.
Coding change: c.1402T>C on transcript NM_152268.4 (MANE Select); coding-DNA position 1402, T replaced by C.
Protein change: p.Leu468=; no amino-acid change (leucine 468 retained).
Molecular consequence: synonymous variant.
Genome position (GRCh38, 1-based): chr1:54,757,760, A>G on the plus strand (T>C on the coding strand, the complement: PARS2 is on the minus strand). VCF-style: chr1-54757760-A-G. GRCh37 (hg19) VCF-style: chr1-55223433-A-G.
Identifiers: ClinVar variation 2081149 (VCV002081149.6), dbSNP rs567609970, ClinGen allele CA869313.
Genomic context (GRCh38, chr1:54,757,760, plus strand): 5'-GCTGCAAATGGGGGCAGGGGTGGGCTGGGGGCATTTAGACAGTCTGCACTGGGGTCAGTA[A>G]ATCCATGACTCCATCTTTGGTGAGGAAGGCCACCTCACCAGTGTTCTGACACCAAACCTC-3'
Protein context (NP_689481.2, residues 458-475): AFLTKDGVMD[Leu468=]LTPVQTV

ClinVar aggregate classification (germline): Likely benign. Review status: criteria provided, multiple submitters, no conflicts (2 of 4 stars). 3 submissions from 3 submitters: Likely benign (3). Last evaluated 2026-07-01.

Allele frequency attached by ClinVar (database versions not stated): gnomAD exomes 0.00001; ExAC 0.00002; gnomAD 0.00003; TOPMed 0.00006; 1000 Genomes Project 30x 0.00016; 1000 Genomes Project 0.00020.
gnomAD v4.1: 19 of 1,612,516 alleles (0.0012%); highest among the groups gnomAD compares: Admixed American, 0.01%; no homozygotes.

Submissions (3):

CeGaT Center for Human Genetics Tuebingen
Classification: Likely benign. Last evaluated: 2026-07-01. Review status: criteria provided, single submitter. Criteria: CeGaT Center For Human Genetics Tuebingen Variant Classification Criteria Version 2. Collection method: clinical testing. Allele origin: germline. Affected: yes. Observed: 1 variant allele.
Comment: PARS2: BP4, BP7

Labcorp Genetics (formerly Invitae), Labcorp
Classification: Likely benign. Last evaluated: 2024-09-09. Review status: criteria provided, single submitter. Criteria: Invitae Variant Classification Sherloc (09022015). Collection method: clinical testing. Allele origin: germline.

Blueprint Genetics
Classification: Likely benign. Last evaluated: 2022-11-17. Review status: criteria provided, single submitter. Criteria: ACMG Guidelines, 2015. Collection method: clinical testing. Allele origin: germline.